The following is an entry in ClinVar:

ClinVar aggregate classification (germline): Uncertain significance (1 of 4 stars; one submission).

gnomAD v4.1: 4 of 1,614,234 alleles (0.00025%); highest among the groups gnomAD compares: Non-Finnish European, 0.00034%; no homozygotes.

Submission:

Labcorp Genetics (formerly Invitae), Labcorp
Classification: Uncertain significance. Last evaluated: 2025-10-29. Review status: criteria provided, single submitter. Criteria: Invitae Variant Classification Sherloc (09022015). Collection method: clinical testing. Allele origin: germline.
Comment: This sequence change replaces glutamine, which is neutral and polar, with arginine, which is basic and polar, at codon 134 of the JAK1 protein (p.Gln134Arg). This variant is not present in population databases (gnomAD no frequency). This variant has not been reported in the literature in individuals affected with JAK1-related conditions. Invitae Evidence Modeling of protein sequence and biophysical properties (such as structural, functional, and spatial information, amino acid conservation, physicochemical variation, residue mobility, and thermodynamic stability) indicates that this missense variant is not expected to disrupt JAK1 protein function with a negative predictive value of 80%. In summary, the available evidence is currently insufficient to determine the role of this variant in disease. Therefore, it has been classified as a Variant of Uncertain Significance.

NM_002227.4(JAK1):c.401A>G (p.Gln134Arg)

Gene: JAK1 (Janus kinase 1; minus strand). Cytogenetic location: 1p31.3.
Variant type: single nucleotide variant.
Coding change: c.401A>G on transcript NM_002227.4 (MANE Select); coding-DNA position 401, A replaced by G.
Protein change: p.Gln134Arg; replaces glutamine 134 with arginine.
Molecular consequence: missense variant.
Genome position (GRCh38, 1-based): chr1:64,873,452, T>C on the plus strand (A>G on the coding strand, the complement: JAK1 is on the minus strand). VCF-style: chr1-64873452-T-C. GRCh37 (hg19) VCF-style: chr1-65339135-T-C.
Other names: c.401A>G, p.Gln134Arg (NM_001320923.2, NM_001321852.2, NM_001321853.2 and 4 more transcripts); short protein forms Q134R.
Identifiers: ClinVar variation 4805719 (VCV004805719.1).